The following is an entry in ClinVar:

NM_016341.4(PLCE1):c.1809+1G>C

Gene: PLCE1 (phospholipase C epsilon 1; plus strand). Cytogenetic location: 10q23.33.
Variant type: single nucleotide variant.
Coding change: c.1809+1G>C on transcript NM_016341.4 (MANE Select); the canonical splice donor site of the intron after coding-DNA position 1809, G replaced by C.
Molecular consequence: splice donor variant.
Genome position (GRCh38, 1-based): chr10:94,171,497, G>C. VCF-style: chr10-94171497-G-C. GRCh37 (hg19) VCF-style: chr10-95931254-G-C.
Other names: c.1809+1G>C (NM_001288989.2); c.885+1G>C (NM_001165979.2).
Identifiers: ClinVar variation 2627434 (VCV002627434.1), dbSNP rs2494255828, ClinGen allele CA377821043.

ClinVar aggregate classification (germline): Likely pathogenic (1 of 4 stars; one submission).

Conditions:
Nephrotic syndrome, type 3 (NPHS3). Also called: NEPHROTIC SYNDROME, EARLY-ONSET, TYPE 3. Identifiers: Orphanet 656, MedGen C1853124, MONDO:0012546, OMIM 610725.

Submission:

Neuberg Centre For Genomic Medicine, NCGM
Classification: Likely pathogenic for Nephrotic syndrome, type 3. Review status: criteria provided, single submitter. Criteria: ACMG Guidelines, 2015. Collection method: clinical testing. Allele origin: germline. Inheritance: Autosomal recessive inheritance. Affected: yes.
Comment: The splice donor variant c.1809+1G>C in PLCE1 (NM_016341.4) has not been reported previously as a pathogenic variant nor as a benign variant, to our knowledge. The c.1809+1G>C variant is novel (not in any individuals) in gnomAD Exomes and is novel (not in any individuals) in 1000 Genomes. This variant mutates a splice-donor sequence, potentially resulting in the retention of large segments of intronic DNA by the mRNA and nonfunctional proteins. The c.1809+1G>C variant is a loss of function variant in the gene PLCE1, which is intolerant of Loss of Function variants, as indicated by the presence of existing pathogenic loss of function variant NP_057425.3:p.R321* and 7 others. For these reasons, this variant has been classified as Likely Pathogenic.